The following is an entry in ClinVar:

ClinVar aggregate classification (germline): Likely benign. Review status: criteria provided, multiple submitters, no conflicts (2 of 4 stars). 3 submissions from 3 submitters: Likely benign (3). Last evaluated 2025-12-10.

Conditions:
RAD51D-related cancer predisposition. Identifiers: MedGen CN377763, MONDO:0700274.
Breast-ovarian cancer, familial, susceptibility to, 4. Identifiers: Orphanet 145, MedGen C3280345, MONDO:0013669, OMIM 614291.

Allele frequency attached by ClinVar (database versions not stated): gnomAD exomes below 0.00001.
gnomAD v4.1: 1 of 1,611,370 alleles (0.000062%); highest among the groups gnomAD compares: Non-Finnish European, 0.000085%; no homozygotes.

Submissions (3):

Labcorp Genetics (formerly Invitae), Labcorp
Classification: Likely benign for Breast-ovarian cancer, familial, susceptibility to, 4. Last evaluated: 2025-12-10. Review status: criteria provided, single submitter. Criteria: Invitae Variant Classification Sherloc (09022015). Collection method: clinical testing. Allele origin: germline.

Myriad Genetics, Inc.
Classification: Likely benign for Breast-ovarian cancer, familial, susceptibility to, 4. Last evaluated: 2025-02-20. Review status: criteria provided, single submitter. Criteria: Myriad Autosomal Dominant, Autosomal Recessive and X-Linked Classification Criteria (2023). Collection method: clinical testing. Allele origin: unknown.
Comment: This variant is considered likely benign. This variant is intronic and is not expected to impact mRNA splicing.

Department of Pathology and Laboratory Medicine, Sinai Health System
Classification: Likely benign for RAD51D-related cancer predisposition. Last evaluated: 2023-01-23. Review status: criteria provided, single submitter. Criteria: ACMG Guidelines, 2015. Collection method: clinical testing. Allele origin: germline. Affected: yes.

NM_002878.4(RAD51D):c.144+8C>T

Genes: RAD51L3-RFFL (RAD51L3-RFFL readthrough; minus strand), RAD51D (RAD51 paralog D; minus strand). Cytogenetic location: 17q12.
Variant type: single nucleotide variant.
Coding change: c.144+8C>T on transcript NM_002878.4 (MANE Select); 8 bases into the intron after coding-DNA position 144, C replaced by T.
Molecular consequence: intron variant.
Genome position (GRCh38, 1-based): chr17:35,119,103, G>A on the plus strand (C>T on the coding strand, the complement: RAD51D is on the minus strand). VCF-style: chr17-35119103-G-A. GRCh37 (hg19) VCF-style: chr17-33446122-G-A.
Other names: c.144+8C>T (NM_133629.3, NM_001142571.2).
Identifiers: ClinVar variation 416201 (VCV000416201.12), dbSNP rs1060504766, ClinGen allele CA16615736.